The following is an entry in ClinVar:

NM_000245.4(MET):c.27T>C (p.Pro9=)

Gene: MET (MET proto-oncogene, receptor tyrosine kinase; plus strand). Cytogenetic location: 7q31.2.
Variant type: single nucleotide variant.
Coding change: c.27T>C on transcript NM_000245.4 (MANE Select); coding-DNA position 27, T replaced by C.
Protein change: p.Pro9=; no amino-acid change (proline 9 retained).
Molecular consequence: synonymous variant. On other transcripts: intron variant (1).
Genome position (GRCh38, 1-based): chr7:116,699,111, T>C. VCF-style: chr7-116699111-T-C. GRCh37 (hg19) VCF-style: chr7-116339165-T-C.
Other names: c.27T>C, p.Pro9= (NM_001127500.3, NM_001324401.3); c.-91+26534T>C (NM_001324402.2).
Identifiers: ClinVar variation 2587470 (VCV002587470.5), dbSNP rs2116578238, ClinGen allele CA457443564.

ClinVar aggregate classification (germline): Benign/Likely benign. Review status: criteria provided, multiple submitters, no conflicts (2 of 4 stars). 3 submissions from 3 submitters: Benign (1); Likely benign (2). Last evaluated 2024-11-05.

Conditions:
Renal cell carcinoma. Identifiers: Orphanet 217071, MedGen C0007134, MeSH D002292, MONDO:0005086, HP:0005584.
Hereditary cancer-predisposing syndrome. Also called: Tumor predisposition; Hereditary Cancer Syndrome; Hereditary neoplastic syndrome; Neoplastic Syndromes, Hereditary. Identifiers: Orphanet 140162, MedGen C0027672, MeSH D009386, MONDO:0015356.
Papillary renal cell carcinoma type 1 (RCCP1). Also called: Renal adenocarcinoma; Renal cell carcinoma 1; Renal cell carcinoma, somatic; RENAL CELL CARCINOMA, PAPILLARY, 1, SOMATIC. Identifiers: Orphanet 47044, MedGen C1336839, OMIM 605074, HP:0011797.

gnomAD v4.1: 1 of 1,613,906 alleles (0.000062%); highest among the groups gnomAD compares: Non-Finnish European, 0.000085%; no homozygotes.

Submissions (3):

Myriad Genetics, Inc.
Classification: Benign for Papillary renal cell carcinoma type 1. Last evaluated: 2024-11-05. Review status: criteria provided, single submitter. Criteria: Myriad Autosomal Dominant, Autosomal Recessive and X-Linked Classification Criteria (2023). Collection method: clinical testing. Allele origin: unknown.
Comment: This variant is considered benign. This variant is a silent/synonymous amino acid change and it is not expected to impact splicing.

Labcorp Genetics (formerly Invitae), Labcorp
Classification: Likely benign for Renal cell carcinoma. Last evaluated: 2024-03-17. Review status: criteria provided, single submitter. Criteria: Invitae Variant Classification Sherloc (09022015). Collection method: clinical testing. Allele origin: germline.

Ambry Genetics
Classification: Likely benign for Hereditary cancer-predisposing syndrome. Last evaluated: 2023-06-29. Review status: criteria provided, single submitter. Criteria: Ambry Variant Classification Scheme 2023. Collection method: clinical testing. Allele origin: germline.